The following is an entry in ClinVar:

NM_015602.4(TOR1AIP1):c.1456G>A (p.Ala486Thr)

Gene: TOR1AIP1 (torsin 1A interacting protein 1; plus strand). Cytogenetic location: 1q25.2.
Variant type: single nucleotide variant.
Coding change: c.1456G>A on transcript NM_015602.4 (MANE Select); coding-DNA position 1456, G replaced by A.
Protein change: p.Ala486Thr; replaces alanine 486 with threonine.
Molecular consequence: missense variant.
Genome position (GRCh38, 1-based): chr1:179,917,943, G>A. VCF-style: chr1-179917943-G-A. GRCh37 (hg19) VCF-style: chr1-179887078-G-A.
Other names: c.1459G>A, p.Ala487Thr (NM_001267578.2); short protein forms A487T, A486T.
Identifiers: ClinVar variation 658161 (VCV000658161.10), dbSNP rs138345857, ClinGen allele CA1269151.
Genomic context (GRCh38, chr1:179,917,943, plus strand): 5'-AGCAATGGATTTAAGAATGGCCAGAATGCAGCTGTGGTACACCGCTTTGAGTCATTTCCC[G>A]CAGGCTCTACTTTGATCTTCTACAAATATTGTGACCATGAAAACGCGGCCTTCAAAGATG-3'
Protein context (NP_056417.2, residues 476-496): AVVHRFESFP[Ala486Thr]GSTLIFYKYC

ClinVar aggregate classification (germline): Uncertain significance. Review status: criteria provided, multiple submitters, no conflicts (2 of 4 stars). 4 submissions from 4 submitters: Uncertain significance (4). Last evaluated 2025-09-16.

Conditions:
Autosomal recessive limb-girdle muscular dystrophy type 2Y (MRRSDC). Also called: Muscular dystrophy, limb-girdle, type 2y; Muscular dystrophy, autosomal recessive, with rigid spine and distal joint contractures. Identifiers: Orphanet 424261, MedGen C4511482, MONDO:0014900, OMIM 617072.

Allele frequency attached by ClinVar (database versions not stated): gnomAD exomes 0.00002 and 0.00004; gnomAD 0.00004 and 0.00005; ExAC 0.00005; TOPMed 0.00007; ESP Exome Variant Server 0.00015; 1000 Genomes Project 0.00020; 1000 Genomes Project 30x 0.00031.
gnomAD v4.1: 38 of 1,614,194 alleles (0.0024%); highest among the groups gnomAD compares: African/African-American, 0.019%; no homozygotes.

Submissions (4):

Labcorp Genetics (formerly Invitae), Labcorp
Classification: Uncertain significance for Autosomal recessive limb-girdle muscular dystrophy type 2Y. Last evaluated: 2025-09-16. Review status: criteria provided, single submitter. Criteria: Invitae Variant Classification Sherloc (09022015). Collection method: clinical testing. Allele origin: germline.
Comment: This sequence change replaces alanine, which is neutral and non-polar, with threonine, which is neutral and polar, at codon 487 of the TOR1AIP1 protein (p.Ala487Thr). This variant is present in population databases (rs138345857, gnomAD 0.02%). This variant has not been reported in the literature in individuals affected with TOR1AIP1-related conditions. ClinVar contains an entry for this variant (Variation ID: 658161). Invitae Evidence Modeling of protein sequence and biophysical properties (such as structural, functional, and spatial information, amino acid conservation, physicochemical variation, residue mobility, and thermodynamic stability) indicates that this missense variant is expected to disrupt TOR1AIP1 protein function with a positive predictive value of 80%. In summary, the available evidence is currently insufficient to determine the role of this variant in disease. Therefore, it has been classified as a Variant of Uncertain Significance.

GeneDx
Classification: Uncertain significance. Last evaluated: 2024-07-31. Review status: criteria provided, single submitter. Criteria: GeneDx Variant Classification Process June 2021. Collection method: clinical testing. Allele origin: germline. Affected: yes.
Comment: In silico analysis supports that this missense variant has a deleterious effect on protein structure/function; Has not been previously published as pathogenic or benign to our knowledge

Genome-Nilou Lab
Classification: Uncertain significance for Autosomal recessive limb-girdle muscular dystrophy type 2Y. Last evaluated: 2023-04-11. Review status: criteria provided, single submitter. Criteria: ACMG Guidelines, 2015. Collection method: clinical testing. Allele origin: germline. Affected: no.

Women's Health and Genetics/Laboratory Corporation of America, LabCorp
Classification: Uncertain significance. Last evaluated: 2022-07-08. Review status: criteria provided, single submitter. Criteria: LabCorp Variant Classification Summary - May 2015. Collection method: clinical testing. Allele origin: germline.
Comment: Variant summary: TOR1AIP1 c.1459G>A (p.Ala487Thr) results in a non-conservative amino acid change in the encoded protein sequence. Four of five in-silico tools predict a damaging effect of the variant on protein function. The variant allele was found at a frequency of 3.6e-05 in 251298 control chromosomes (gnomAD). The available data on variant occurrences in the general population are insufficient to allow any conclusion about variant significance. To our knowledge, no occurrence of c.1459G>A in individuals affected with Autosomal Recessive Limb-Girdle Muscular Dystrophy Type 2Y and no experimental evidence demonstrating its impact on protein function have been reported. One clinical diagnostic laboratory has submitted a clinical-significance assessment for this variant to ClinVar after 2014 and classified the variant as uncertain significance. Based on the evidence outlined above, the variant was classified as uncertain significance.